The following is an entry in ClinVar:

ClinVar aggregate classification (germline): Uncertain significance (0 of 4 stars; one submission).

Conditions:
DNMT3A-related disorder. Also called: DNMT3A-related condition; DNMT3A-related disorders.

Submission:

PreventionGenetics, part of Exact Sciences
Classification: Uncertain significance for DNMT3A-related condition. Last evaluated: 2024-06-28. Review status: no assertion criteria provided. Collection method: clinical testing. Allele origin: germline.
Comment: The DNMT3A c.1851+2_1851+3delTG variant is predicted to result in a deletion affecting a canonical splice site. To our knowledge, this variant has not been reported in the literature. This variant is reported in 0.0033% of alleles in individuals of South Asian descent in gnomAD. Variants that disrupt the consensus splice donor site in DNMT3A are expected to be pathogenic. An alternative variant at the same splice site c.1851+3G>C has been reported in an individual with Tatton-Brown-Rahman syndrome (Table 1, Tatton-Brown et al. 2018. PubMed ID: 29900417). However, another variant at the same codon c.1851+1G>A is reported in population database gnomAD in 4 alleles in version 2 and 17 alleles in version 4 (available only on GRCh38), which may be too high for causative variant in this gene. Although we suspect that this variant may be pathogenic, at this time, the clinical significance of this variant is uncertain due to the absence of conclusive functional and genetic evidence.

NM_022552.5(DNMT3A):c.1851+2_1851+3del

Gene: DNMT3A (DNA methyltransferase 3 alpha; minus strand). Cytogenetic location: 2p23.3.
Variant type: Microsatellite.
Coding change: c.1851+2_1851+3del on transcript NM_022552.5 (MANE Select); the canonical splice donor site of the intron after coding-DNA position 1851 through 3 bases into the intron after coding-DNA position 1851, 2 bases deleted (TG; older notation c.1851+2_1851+3delTG).
Molecular consequence: splice donor variant.
Genome position (GRCh38, 1-based): chr2:25,244,152-25,244,153, CA deleted on the plus strand (TG on the coding strand, the reverse complement: DNMT3A is on the minus strand); deleting any 2 consecutive bases within chr2:25,244,152-25,244,155 gives the same sequence; the c. name uses the placement nearest the transcript's 3' end. VCF-style (leftmost placement, unchanged base first): chr2-25244151-TCA-T. GRCh37 (hg19) VCF-style: chr2-25467020-TCA-T.
Other names: c.1851+2_1851+3del (NM_175629.2); c.1284+2_1284+3del (NM_153759.3); c.1395+2_1395+3del (NM_001320893.1); c.1182+2_1182+3del (NM_001375819.1); c.1851+2_1851+3delTG (NM_175629.2).
Identifiers: ClinVar variation 3346806 (VCV003346806.1).